The following is an entry in ClinVar:

NM_020361.5(CPA6):c.329A>T (p.Glu110Val)

Gene: CPA6 (carboxypeptidase A6; minus strand). Cytogenetic location: 8q13.2.
Variant type: single nucleotide variant.
Coding change: c.329A>T on transcript NM_020361.5 (MANE Select); coding-DNA position 329, A replaced by T.
Protein change: p.Glu110Val; replaces glutamic acid 110 with valine.
Molecular consequence: missense variant.
Genome position (GRCh38, 1-based): chr8:67,511,644, T>A on the plus strand (A>T on the coding strand, the complement: CPA6 is on the minus strand). VCF-style: chr8-67511644-T-A. GRCh37 (hg19) VCF-style: chr8-68423879-T-A.
Other names: short protein forms E110V.
Identifiers: ClinVar variation 649736 (VCV000649736.8), dbSNP rs1480644555, ClinGen allele CA371261940.

ClinVar aggregate classification (germline): Uncertain significance (1 of 4 stars; one submission).

Conditions:
Febrile seizures, familial, 11 (FEB11). Also called: CONVULSIONS, FAMILIAL FEBRILE, 11. Identifiers: MedGen C3280734, MONDO:0024566, OMIM 614418.

Allele frequency attached by ClinVar (database versions not stated): gnomAD exomes below 0.00001 and 0.00002.
gnomAD v4.1: 34 of 1,598,906 alleles (0.0021%); highest among the groups gnomAD compares: Non-Finnish European, 0.0027%; no homozygotes.

Submission:

Labcorp Genetics (formerly Invitae), Labcorp
Classification: Uncertain significance for Febrile seizures, familial, 11. Last evaluated: 2024-04-05. Review status: criteria provided, single submitter. Criteria: Invitae Variant Classification Sherloc (09022015). Collection method: clinical testing. Allele origin: germline.
Comment: This sequence change replaces glutamic acid, which is acidic and polar, with valine, which is neutral and non-polar, at codon 110 of the CPA6 protein (p.Glu110Val). This variant is present in population databases (no rsID available, gnomAD 0.0009%). This variant has not been reported in the literature in individuals affected with CPA6-related conditions. ClinVar contains an entry for this variant (Variation ID: 649736). Advanced modeling of protein sequence and biophysical properties (such as structural, functional, and spatial information, amino acid conservation, physicochemical variation, residue mobility, and thermodynamic stability) performed at Invitae indicates that this missense variant is not expected to disrupt CPA6 protein function with a negative predictive value of 80%. In summary, the available evidence is currently insufficient to determine the role of this variant in disease. Therefore, it has been classified as a Variant of Uncertain Significance.